The following is an entry in ClinVar:

ClinVar aggregate classification (germline): Uncertain significance. Review status: criteria provided, multiple submitters, no conflicts (2 of 4 stars). 5 submissions from 5 submitters: Uncertain significance (3). 2 of the submissions do not count toward it. Last evaluated 2025-05-05.

Conditions:
HEMOGLOBIN SOGN.
beta Thalassemia (BTHAL). Also called: Cooley's anemia; Erythroblastic anemia; Mediterranean anemia. Identifiers: Orphanet 848, MedGen C0005283, MONDO:0019402. Disease mechanism: loss of function.

Submissions (5):

ARUP Laboratories, Molecular Genetics and Genomics, ARUP Laboratories
Classification: Uncertain significance. Last evaluated: 2025-05-05. Review status: criteria provided, single submitter. Criteria: ARUP Molecular Germline Variant Investigation Process 2024. Collection method: clinical testing. Allele origin: germline.
Comment: The Hb Sogn variant (HBB: c.44T>G; p.Leu15Arg, also known as Leu14Arg when numbered from the mature protein, rs33935445, HbVar ID: 243, ClinVar ID: 15355) is reported in the literature in multiple clinically healthy heterozygous individuals (Fairbanks 1990). This variant has also been reported in heterozygosity in combination with alpha-thal-2 trait in an individual with microcytosis and hypochromia (Miller 1996). This variant does not separate from Hb S during electrophoresis and is reported as mildly unstable (see link to HbVar and references therein). This variant is absent from the Genome Aggregation Database, indicating it is not a common polymorphism (v2.1.1). Computational analyses predict that this variant is deleterious (REVEL: 0.797). Due to limited information, the clinical significance of the p.Leu15Arg variant is uncertain at this time. References: Link to HbVar database: Fairbanks VF et al. Two families with hemoglobin Sogn, beta(A11)14 Leu----Arg, in Minnesota and Indiana: hematologic, functional, and biosynthetic features. Mayo Clin Proc. 1990 Jun;65(6):793-8. PMID: 2366586. Miller DR et al. Hb Sogn or alpha 2 beta 2 14(A11)Leu-->Arg in combination with an alpha-thalassemia heterozygosity. Hemoglobin. 1996 May;20(2):131-4. PMID: 8811316.

Women's Health and Genetics/Laboratory Corporation of America, LabCorp
Classification: Uncertain significance. Last evaluated: 2024-12-03. Review status: criteria provided, single submitter. Criteria: LabCorp Variant Classification Summary - May 2015. Collection method: clinical testing. Allele origin: germline.
Comment: Variant summary: HBB c.44T>G (p.Leu15Arg) results in a non-conservative amino acid change in the encoded protein sequence. Five of five in-silico tools predict a damaging effect of the variant on protein function. The variant was absent in 251236 control chromosomes (gnomAD). The available data on variant occurrences in the general population are insufficient to allow any conclusion about variant significance. c.44T>G has been reported in the literature in asymptomatic carriers who were hematologically normal, as well as a heterozygous proband with microcytosis and hypochromia who was also heterozygous with an alpha-thalassemia-2 allele (e.g. Monn_1970, Fairbanks_1990, Miller_1996). These reports do not provide unequivocal conclusions about association of the variant with Hemoglobinopathy. Experimental evidence found that the variant results in a less stable protein than the wild type (Mann_1970, Fairbanks_1990), however, does not allow convincing conclusions about the variant effect. The following publications have been ascertained in the context of this evaluation (PMID: 8811316, 2366586, 4994348). ClinVar contains an entry for this variant (Variation ID: 15355). Based on the evidence outlined above, the variant was classified as uncertain significance.

Quest Diagnostics Nichols Institute San Juan Capistrano
Classification: Uncertain significance. Last evaluated: 2020-11-06. Review status: criteria provided, single submitter. Criteria: Quest Diagnostics criteria. Collection method: clinical testing. Allele origin: unknown.

Natera, Inc.
Classification: Uncertain significance for Beta thalassemia. Last evaluated: 2020-09-16. Review status: no assertion criteria provided. Collection method: clinical testing. Allele origin: germline. Not counted in ClinVar's aggregate classification.

OMIM
Classification: other for HEMOGLOBIN SOGN. Last evaluated: 2017-12-12. Review status: no assertion criteria provided. Collection method: literature only. Allele origin: germline. Not counted in ClinVar's aggregate classification.

Literature cited by the submitters: PubMed 8811316 (cited by 3 submitters); PubMed 2366586 (cited by 3 submitters); PubMed 4994348 (cited by Women's Health and Genetics/Laboratory Corporation of America, LabCorp and Quest Diagnostics Nichols Institute San Juan Capistrano); PubMed 31145010 (cited by Quest Diagnostics Nichols Institute San Juan Capistrano); PubMed 19429541 (cited by Quest Diagnostics Nichols Institute San Juan Capistrano); PubMed 5710451 (cited by Quest Diagnostics Nichols Institute San Juan Capistrano and OMIM).

NM_000518.4(HBB):c.44T>G (p.Leu15Arg)

Genes: HBB (hemoglobin subunit beta; minus strand), LOC106099062 (HBB recombination region; plus strand), LOC107133510 (origin of replication at HBB; plus strand). Cytogenetic location: 11p15.4.
Variant type: single nucleotide variant.
Coding change: c.44T>G on transcript NM_000518.4; coding-DNA position 44, T replaced by G.
Protein change: p.Leu15Arg; replaces leucine 15 with arginine.
Molecular consequence: missense variant (on NM_000518.5).
Genome position (GRCh38, 1-based): chr11:5,226,978, A>C on the plus strand (T>G on the coding strand, the complement: HBB is on the minus strand). VCF-style: chr11-5226978-A-C. GRCh37 (hg19) VCF-style: chr11-5248208-A-C.
Other names: L14R; c.44T>G, p.Leu15Arg (NM_000518.5); short protein forms L15R.
Identifiers: ClinVar variation 15355 (VCV000015355.8), dbSNP rs33935445, ClinGen allele CA125172.